The following is an entry in ClinVar:

NM_004036.5(ADCY3):c.1204C>T (p.Arg402Trp)

Gene: ADCY3 (adenylate cyclase 3; minus strand). Cytogenetic location: 2p23.3.
Variant type: single nucleotide variant.
Coding change: c.1204C>T on transcript NM_004036.5 (MANE Select); coding-DNA position 1204, C replaced by T.
Protein change: p.Arg402Trp; replaces arginine 402 with tryptophan.
Molecular consequence: missense variant.
Genome position (GRCh38, 1-based): chr2:24,840,024, G>A on the plus strand (C>T on the coding strand, the complement: ADCY3 is on the minus strand). VCF-style: chr2-24840024-G-A. GRCh37 (hg19) VCF-style: chr2-25062893-G-A.
Other names: c.1204C>T, p.Arg402Trp (NM_001320613.2, NM_001377128.1, NM_001377129.1 and 2 more transcripts); c.481C>T, p.Arg161Trp (NM_001377131.1); short protein forms R161W, R402W.
Identifiers: ClinVar variation 3354599 (VCV003354599.2).

ClinVar aggregate classification (germline): Uncertain significance (1 of 4 stars; one submission).

Conditions:
ADCY3-related disorder. Also called: ADCY3-related condition.

gnomAD v4.1: 5 of 1,609,412 alleles (0.00031%); highest among the groups gnomAD compares: Non-Finnish European, 0.00034%; no homozygotes.

Submission:

PreventionGenetics, part of Exact Sciences
Classification: Uncertain significance for ADCY3-related condition. Last evaluated: 2025-12-11. Review status: criteria provided, single submitter. Criteria: ACMG Guidelines, 2015. Collection method: clinical testing. Allele origin: germline.
Comment: The ADCY3 c.1204C>T variant is predicted to result in the amino acid substitution p.Arg402Trp. To our knowledge, this variant has not been reported in the literature. This variant is reported in 0.0% of alleles in individuals of African descent in gnomAD. At this time, the clinical significance of this variant is uncertain due to the absence of conclusive functional and genetic evidence.